The following is an entry in ClinVar:

ClinVar aggregate classification (germline): Likely pathogenic (1 of 4 stars; one submission).

Conditions:
Congenital anomalies of kidney and urinary tract 3. Identifiers: MedGen C4748921, MONDO:0032646, OMIM 618270.

Submission:

Diagnostics Services (NGS), CSIR - Centre For Cellular And Molecular Biology
Classification: Likely pathogenic for Congenital anomalies of kidney and urinary tract 3. Last evaluated: 2025-10-30. Review status: criteria provided, single submitter. Criteria: ACMG Guidelines, 2015. Collection method: clinical testing. Allele origin: germline. Affected: yes. Observed: 1 variant allele, 1 heterozygote.
Comment: The c.2791A>T variant is not present in publicly available population databases like 1000 Genomes, gnomAD, EVS, Indian Exome Database or our internal database. This variant has neither been published in the literature for NRIP1-related conditions nor reported to the clinical databases like Human genome Mutation Database (HGMD), OMIM, or ClinVar databases in any affected individuals. In-silico pathogenicity prediction programs like MutationTaster2021, CADD, Franklin, Varsome, InterVar, etc. predicted this variant to be likely deleterious. This variant creates a premature translational stop signal at the 931st amino acid position of the wild-type transcript that may either result in translation of a truncated protein or cause nonsense-mediated decay of the mRNA.

NM_003489.4(NRIP1):c.2791A>T (p.Lys931Ter)

Gene: NRIP1 (nuclear receptor interacting protein 1; minus strand). Cytogenetic location: 21q11.2.
Variant type: single nucleotide variant.
Coding change: c.2791A>T on transcript NM_003489.4 (MANE Select); coding-DNA position 2791, A replaced by T.
Protein change: p.Lys931Ter; replaces lysine 931 with a stop codon.
Molecular consequence: nonsense.
Genome position (GRCh38, 1-based): chr21:14,965,402, T>A on the plus strand (A>T on the coding strand, the complement: NRIP1 is on the minus strand). VCF-style: chr21-14965402-T-A. GRCh37 (hg19) VCF-style: chr21-16337723-T-A.
Other names: c.2791A>T, p.Lys931Ter (NM_001439275.1, NM_001439276.1, NM_001439277.1 and 10 more transcripts); short protein forms K931*.
Identifiers: ClinVar variation 4533294 (VCV004533294.1).